The following is an entry in ClinVar:

ClinVar aggregate classification (germline): Pathogenic/Likely pathogenic. Review status: criteria provided, multiple submitters, no conflicts (2 of 4 stars). 4 submissions from 4 submitters: Pathogenic (3); Likely pathogenic (1). Last evaluated 2026-05-17.

Conditions:
Capillary malformation-arteriovenous malformation 2 (CMAVM2). Identifiers: Orphanet 693912, MedGen C4748670, MONDO:0020785, OMIM 618196.
Cardiovascular phenotype. Identifiers: MedGen CN230736.

gnomAD v4.1: 2 of 1,613,978 alleles (0.00012%); highest among the groups gnomAD compares: Non-Finnish European, 0.00017%; no homozygotes.

Submissions (4):

GeneDx
Classification: Likely pathogenic. Last evaluated: 2026-05-17. Review status: criteria provided, single submitter. Criteria: GeneDx Variant Classification Process June 2021. Collection method: clinical testing. Allele origin: germline.
Comment: Identified in a fetus with increased nuchal translucency, hypoplastic cerebellar vermis, and pleural effusion who also harbored a variant in the PTPN11 gene, and inherited from a parent with evidence of skin mosaicism with subtle capillary changes (PMID: 35506549); Nonsense variant predicted to result in protein truncation or nonsense mediated decay in a gene for which loss of function is a known mechanism of disease; Not observed at significant frequency in large population cohorts (gnomAD); This variant is associated with the following publications: (PMID: Sun2023[CaseReport], 35506549)

Molecular Genetics, Royal Melbourne Hospital
Classification: Pathogenic for Capillary malformation-arteriovenous malformation 2. Last evaluated: 2024-10-03. Review status: criteria provided, single submitter. Criteria: ACMG Guidelines, 2015. Collection method: clinical testing. Allele origin: germline. Inheritance: Autosomal dominant inheritance. Affected: yes.
Comment: This sequence change in EPHB4 is a nonsense variant predicted to create a premature stop codon, p.(Arg763*), in biologically relevant exon 13/17 leading to nonsense-mediated decay in a gene in which loss-of-function is an established disease mechanism (PMID: 29444212, 28687708, 30760892). Loss-of-function variants are a well-established cause of disease in exon 5 (ClinVar). The highest population minor allele frequency in the population database gnomAD v4.1 is 0.0002% (2/1,179,990 alleles) in the European (non-Finnish) population. Based on the classification scheme RMH Modified ACMG/AMP Guidelines v1.7.0, this variant is classified as PATHOGENIC. Following criteria are met: PVS1, PM2_Supporting, PM5_Supporting, PS4_Supporting

Victorian Clinical Genetics Services, Murdoch Childrens Research Institute
Classification: Pathogenic for Capillary malformation-arteriovenous malformation 2. Last evaluated: 2022-02-02. Review status: criteria provided, single submitter. Criteria: ACMG Guidelines, 2015. Collection method: clinical testing. Allele origin: germline. Inheritance: Autosomal dominant inheritance.
Comment: Based on the classification scheme VCGS_Germline_v1.3.4, this variant is classified as Pathogenic. Following criteria are met: 0102 - Loss of function is a known mechanism of disease in this gene and is associated with capillary malformation-arteriovenous malformation 2 (MIM#618196). (I) 0107 - This gene is associated with autosomal dominant disease. (I) 0112 - Variants in this gene are known to have variable expressivity (PMIDs: 29905864, 27400125, 30578106). (I) 0201 - Variant is predicted to cause nonsense-mediated decay (NMD) and loss of protein (premature termination codon is located at least 54 nucleotides upstream of the final exon-exon junction). (SP) 0251 - This variant is heterozygous. (I) 0301 - Variant is absent from gnomAD (both v2 and v3). (SP) 0701 - Other variants predicted to cause in NMD comparable to the one identified in this case have very strong previous evidence for pathogenicity (ClinVar, DECIPHER, PMID: 28687708). (SP) 0807 - This variant has no previous evidence of pathogenicity. (I) 0905 - No published segregation evidence has been identified for this variant. (I) 1007 - No published functional evidence has been identified for this variant. (I) 1208 - Inheritance information for this variant is not currently available in this individual. (I) Legend: (SP) - Supporting pathogenic, (I) - Information, (SB) - Supporting benign

Ambry Genetics
Classification: Pathogenic for Cardiovascular phenotype. Last evaluated: 2019-05-13. Review status: criteria provided, single submitter. Criteria: Ambry Variant Classification Scheme 2023. Collection method: clinical testing. Allele origin: germline.
Comment: The p.R763* pathogenic mutation (also known as c.2287C>T), located in coding exon 13 of the EPHB4 gene, results from a C to T substitution at nucleotide position 2287. This changes the amino acid from an arginine to a stop codon within coding exon 13. This alteration is expected to result in loss of function by premature protein truncation or nonsense-mediated mRNA decay. As such, this alteration is interpreted as a disease-causing mutation.

Literature cited by the submitters: PubMed 28687708 (cited by Molecular Genetics, Royal Melbourne Hospital and Victorian Clinical Genetics Services, Murdoch Childrens Research Institute); PubMed 29444212 (cited by Molecular Genetics, Royal Melbourne Hospital); PubMed 30760892 (cited by Molecular Genetics, Royal Melbourne Hospital); PubMed 27400125 (cited by Victorian Clinical Genetics Services, Murdoch Childrens Research Institute); PubMed 29905864 (cited by Victorian Clinical Genetics Services, Murdoch Childrens Research Institute); PubMed 30578106 (cited by Victorian Clinical Genetics Services, Murdoch Childrens Research Institute).

NM_004444.5(EPHB4):c.2287C>T (p.Arg763Ter)

Gene: EPHB4 (EPH receptor B4; minus strand). Cytogenetic location: 7q22.1.
Variant type: single nucleotide variant.
Coding change: c.2287C>T on transcript NM_004444.5 (MANE Select); coding-DNA position 2287, C replaced by T.
Protein change: p.Arg763Ter; replaces arginine 763 with a stop codon.
Molecular consequence: nonsense.
Genome position (GRCh38, 1-based): chr7:100,807,412, G>A on the plus strand (C>T on the coding strand, the complement: EPHB4 is on the minus strand). VCF-style: chr7-100807412-G-A. GRCh37 (hg19) VCF-style: chr7-100405034-G-A.
Other names: c.2287C>T (NM_004444.4); short protein forms R763*.
Identifiers: ClinVar variation 1678587 (VCV001678587.8), dbSNP rs1331371272, ClinGen allele CA368568678.